The following is an entry in ClinVar:

ClinVar aggregate classification (germline): Uncertain significance (1 of 4 stars; one submission).

gnomAD v4.1: 4 of 1,597,684 alleles (0.00025%); highest among the groups gnomAD compares: African/African-American, 0.0014%; no homozygotes.

Submission:

GeneDx
Classification: Uncertain significance. Last evaluated: 2026-01-22. Review status: criteria provided, single submitter. Criteria: GeneDx Variant Classification Process June 2021. Collection method: clinical testing. Allele origin: germline.
Comment: Not observed at significant frequency in large population cohorts (gnomAD); In silico analysis supports that this missense variant has a deleterious effect on protein structure/function; Has not been previously published as pathogenic or benign to our knowledge

NM_001194.4(HCN2):c.1864G>A (p.Val622Met)

Gene: HCN2 (hyperpolarization activated cyclic nucleotide gated potassium and sodium channel 2; plus strand). Cytogenetic location: 19p13.3.
Variant type: single nucleotide variant.
Coding change: c.1864G>A on transcript NM_001194.4 (MANE Select); coding-DNA position 1864, G replaced by A.
Protein change: p.Val622Met; replaces valine 622 with methionine.
Molecular consequence: missense variant.
Genome position (GRCh38, 1-based): chr19:613,890, G>A. VCF-style: chr19-613890-G-A. GRCh37 (hg19) VCF-style: chr19-613890-G-A.
Other names: short protein forms V622M.
Identifiers: ClinVar variation 4975231 (VCV004975231.1).